The following is an entry in ClinVar:

ClinVar aggregate classification (germline): Likely benign (1 of 4 stars; one submission).

Conditions:
Familial acute necrotizing encephalopathy (IIAE3). Also called: ENCEPHALOPATHY, ACUTE, INFECTION-INDUCED, SUSCEPTIBILITY TO, 3; Susceptibility to Acute Necrotizing Encephalopathy 1. Identifiers: Orphanet 88619, MedGen C2675556, MONDO:0011953, OMIM 608033.

gnomAD v4.1: 2 of 1,613,904 alleles (0.00012%); highest among the groups gnomAD compares: South Asian, 0.0022%; no homozygotes.

Submission:

Johns Hopkins Genomics, Johns Hopkins University
Classification: Likely benign for Familial acute necrotizing encephalopathy. Last evaluated: 2025-07-29. Review status: criteria provided, single submitter. Criteria: ACMG Guidelines, 2015. Collection method: clinical testing. Allele origin: germline.
Comment: This variant is classified as likely benign (PM2, BP2, BP4).

NM_152732.5(RSPH9):c.277G>C (p.Val93Leu)

Gene: RSPH9 (radial spoke head component 9; plus strand). Cytogenetic location: 6p21.1.
Variant type: single nucleotide variant.
Coding change: c.277G>C on transcript NM_152732.5 (MANE Select); coding-DNA position 277, G replaced by C.
Protein change: p.Val93Leu; replaces valine 93 with leucine.
Molecular consequence: missense variant. On other transcripts: non-coding transcript variant (1).
Genome position (GRCh38, 1-based): chr6:43,650,424, G>C. VCF-style: chr6-43650424-G-C. GRCh37 (hg19) VCF-style: chr6-43618161-G-C.
Other names: c.277G>C, p.Val93Leu (NM_001193341.2, NM_001424119.1, NM_001424120.1 and 1 more transcripts); short protein forms V93L.
Identifiers: ClinVar variation 4280096 (VCV004280096.1).